The following is an entry in ClinVar:

NM_152594.3(SPRED1):c.1046G>C (p.Arg349Thr)

Gene: SPRED1 (sprouty related EVH1 domain containing 1; plus strand). Cytogenetic location: 15q14.
Variant type: single nucleotide variant.
Coding change: c.1046G>C on transcript NM_152594.3 (MANE Select); coding-DNA position 1046, G replaced by C.
Protein change: p.Arg349Thr; replaces arginine 349 with threonine.
Molecular consequence: missense variant.
Genome position (GRCh38, 1-based): chr15:38,351,375, G>C. VCF-style: chr15-38351375-G-C. GRCh37 (hg19) VCF-style: chr15-38643576-G-C.
Other names: short protein forms R349T.
Identifiers: ClinVar variation 1334212 (VCV001334212.4), dbSNP rs1221405249, ClinGen allele CA391933909.

ClinVar aggregate classification (germline): Conflicting classifications of pathogenicity. Review status: criteria provided, conflicting classifications (1 of 4 stars). 2 submissions from 2 submitters: Uncertain significance (1); Benign (1). Last evaluated 2025-12-26.

Conditions:
Noonan syndrome and Noonan-related syndrome. Identifiers: Orphanet 98733, MedGen C5681679, MONDO:0020297.
Cardiovascular phenotype. Identifiers: MedGen CN230736.

Allele frequency attached by ClinVar (database versions not stated): TOPMed below 0.00001; gnomAD 0.00001.
gnomAD v4.1: 2 of 1,613,942 alleles (0.00012%); highest among the groups gnomAD compares: Non-Finnish European, 0.00017%; no homozygotes.

Submissions (2):

Ambry Genetics
Classification: Uncertain significance for Cardiovascular phenotype. Last evaluated: 2025-12-26. Review status: criteria provided, single submitter. Criteria: Ambry Variant Classification Scheme 2023. Collection method: clinical testing. Allele origin: germline.
Comment: The p.R349T variant (also known as c.1046G>C), located in coding exon 7 of the SPRED1 gene, results from a G to C substitution at nucleotide position 1046. The arginine at codon 349 is replaced by threonine, an amino acid with similar properties. This amino acid position is conserved. In addition, this alteration is predicted to be deleterious by in silico analysis. Based on the available evidence, the clinical significance of this variant remains unclear.

Genome Diagnostics Laboratory, The Hospital for Sick Children
Classification: Benign for Noonan syndrome and Noonan-related syndrome. Last evaluated: 2019-06-01. Review status: criteria provided, single submitter. Criteria: ACMG Guidelines, 2015. Collection method: clinical testing. Allele origin: germline.